The following continues an entry in ClinVar:

NM_001171.6(ABCC6):c.3421C>T (p.Arg1141Ter)

Gene: ABCC6. ClinVar aggregate classification (germline): Pathogenic. Pathogenic (32).

Submissions 26 to 42 of 42:

Laboratorio de Genetica e Diagnostico Molecular, Hospital Israelita Albert Einstein
Classification: Pathogenic. Last evaluated: 2021-04-05. Review status: criteria provided, single submitter. Criteria: ACMG Guidelines, 2015. Collection method: clinical testing. Allele origin: germline. Affected: yes.
Comment: ACMG classification criteria: PVS1, PS3, PM3

Baylor Genetics
Classification: Pathogenic for Autosomal recessive inherited pseudoxanthoma elasticum. Last evaluated: 2020-04-25. Review status: criteria provided, single submitter. Criteria: ACMG Guidelines, 2015. Collection method: clinical testing. Allele origin: unknown. Affected: yes.
Comment: This variant was determined to be pathogenic according to ACMG Guidelines, 2015 [PMID:25741868].

Fulgent Genetics
Classification: Pathogenic for Pseudoxanthoma elasticum, forme fruste; Autosomal recessive inherited pseudoxanthoma elasticum; Arterial calcification, generalized, of infancy, 2. Last evaluated: 2018-10-31. Review status: criteria provided, single submitter. Criteria: ACMG Guidelines, 2015. Collection method: clinical testing. Allele origin: unknown.

Genetic Services Laboratory, University of Chicago
Classification: Pathogenic for Pseudoxanthoma elasticum. Last evaluated: 2016-08-17. Review status: criteria provided, single submitter. Criteria: ACMG Guidelines, 2015. Collection method: clinical testing. Allele origin: germline. Affected: yes.

Eurofins Ntd Llc (ga)
Classification: Pathogenic. Last evaluated: 2016-03-02. Review status: criteria provided, single submitter. Criteria: EGL Classification Definitions 2015. Collection method: clinical testing. Allele origin: germline. Observed: 3 variant alleles, 3 heterozygotes.

Centre for Mendelian Genomics, University Medical Centre Ljubljana
Classification: Pathogenic for Arterial calcification, generalized, of infancy, 2. Last evaluated: 2016-01-01. Review status: criteria provided, single submitter. Criteria: ACMG Guidelines, 2015. Collection method: clinical testing. Allele origin: unknown. Affected: yes.
Comment: This variant was classified as: Pathogenic. This variant was detected in homozygous state.

Centre for Mendelian Genomics, University Medical Centre Ljubljana
Classification: Pathogenic for Cutis laxa; Papule. Last evaluated: 2014-10-24. Review status: criteria provided, single submitter. Criteria: ACMG Guidelines, 2015. Collection method: clinical testing. Allele origin: unknown. Affected: yes.

Sharon lab, Hadassah-Hebrew University Medical Center
Classification: Pathogenic for Pseudoxanthoma elasticum. Last evaluated: 2019-06-23. Review status: no assertion criteria provided. Collection method: research. Allele origin: inherited. Affected: yes. Not counted in ClinVar's aggregate classification.

OMIM
Classification: Pathogenic for PSEUDOXANTHOMA ELASTICUM. Last evaluated: 2012-01-13. Review status: no assertion criteria provided. Collection method: literature only. Allele origin: germline. Not counted in ClinVar's aggregate classification.

OMIM
Classification: Pathogenic for ARTERIAL CALCIFICATION, GENERALIZED, OF INFANCY, 2. Last evaluated: 2012-01-13. Review status: no assertion criteria provided. Collection method: literature only. Allele origin: germline. Not counted in ClinVar's aggregate classification.

Clinical Genetics DNA and cytogenetics Diagnostics Lab, Erasmus MC, Erasmus Medical Center
Classification: Pathogenic. Review status: no assertion criteria provided. Collection method: clinical testing. Allele origin: germline. Affected: yes. Study: VKGL Data-share Consensus. Not counted in ClinVar's aggregate classification.

Clinical Genetics, Academic Medical Center
Classification: Pathogenic. Review status: no assertion criteria provided. Collection method: clinical testing. Allele origin: germline. Affected: yes. Study: VKGL Data-share Consensus. Not counted in ClinVar's aggregate classification.

Genome Diagnostics Laboratory, Amsterdam University Medical Center
Classification: Pathogenic. Review status: no assertion criteria provided. Collection method: clinical testing. Allele origin: germline. Affected: yes. Study: VKGL Data-share Consensus. Not counted in ClinVar's aggregate classification.

Genome Diagnostics Laboratory, University Medical Center Utrecht
Classification: Pathogenic. Review status: no assertion criteria provided. Collection method: clinical testing. Allele origin: germline. Affected: yes. Study: VKGL Data-share Consensus. Not counted in ClinVar's aggregate classification.

Joint Genome Diagnostic Labs from Nijmegen and Maastricht, Radboudumc and MUMC+
Classification: Pathogenic. Review status: no assertion criteria provided. Collection method: clinical testing. Allele origin: germline. Affected: yes. Study: VKGL Data-share Consensus. Not counted in ClinVar's aggregate classification.

Laboratory of Diagnostic Genome Analysis, Leiden University Medical Center (LUMC)
Classification: Pathogenic. Review status: no assertion criteria provided. Collection method: clinical testing. Allele origin: germline. Affected: yes. Study: VKGL Data-share Consensus. Not counted in ClinVar's aggregate classification.

PXE International
Classification: Pathogenic for Autosomal recessive inherited pseudoxanthoma elasticum. Review status: no assertion criteria provided. Collection method: research. Allele origin: germline. Affected: yes. Observed: 208 variant alleles. Clinical features observed: Papule (HP:0200034), Retinal hemorrhage (HP:0000573), Angioid streaks of the retina (HP:0001102), Intermittent claudication (HP:0004417), Weak or absent arterial pulse, Skin plaque (HP:0200035), Gastrointestinal hemorrhage (HP:0002239), Peau d'orange retinal changes, Renal calcification, Stroke (HP:0001297), Vascular surgery, Angina pectoris (HP:0001681), and 8 more. Not counted in ClinVar's aggregate classification.

Literature cited by the submitters: PubMed 10835642 (cited by 4 submitters); PubMed 12714611 (cited by 6 submitters); PubMed 17617515 (cited by 3 submitters); PubMed 22209248 (cited by 5 submitters); PubMed 26982014 (cited by 3 submitters); PubMed 11536079 (cited by Labcorp Genetics (formerly Invitae), Labcorp and Variantyx, Inc.); PubMed 10811882 (cited by 5 submitters); PubMed 10835643 (cited by Rady Children's Institute for Genomic Medicine, Rady Children's Hospital San Diego and Rare Kidney Stone Consortium and the Mayo Clinic Hyperoxaluria Center, Mayo Clinic); PubMed 18800149 (cited by Rady Children's Institute for Genomic Medicine, Rady Children's Hospital San Diego and OMIM); PubMed 19929409 (cited by Rady Children's Institute for Genomic Medicine, Rady Children's Hospital San Diego and Rare Kidney Stone Consortium and the Mayo Clinic Hyperoxaluria Center, Mayo Clinic); PubMed 23485117 (cited by Rady Children's Institute for Genomic Medicine, Rady Children's Hospital San Diego); PubMed 23675997 (cited by Variantyx, Inc. and Rare Kidney Stone Consortium and the Mayo Clinic Hyperoxaluria Center, Mayo Clinic); PubMed 12176944 (cited by Rare Kidney Stone Consortium and the Mayo Clinic Hyperoxaluria Center, Mayo Clinic and OMIM); PubMed 23746223 (cited by Rare Kidney Stone Consortium and the Mayo Clinic Hyperoxaluria Center, Mayo Clinic); PubMed 24008425 (cited by Rare Kidney Stone Consortium and the Mayo Clinic Hyperoxaluria Center, Mayo Clinic); PubMed 24352041 (cited by Rare Kidney Stone Consortium and the Mayo Clinic Hyperoxaluria Center, Mayo Clinic); PubMed 25525159 (cited by Rare Kidney Stone Consortium and the Mayo Clinic Hyperoxaluria Center, Mayo Clinic); PubMed 30206659 (cited by Rare Kidney Stone Consortium and the Mayo Clinic Hyperoxaluria Center, Mayo Clinic); PubMed 29709427 (cited by Rare Kidney Stone Consortium and the Mayo Clinic Hyperoxaluria Center, Mayo Clinic); PubMed 29722917 (cited by Rare Kidney Stone Consortium and the Mayo Clinic Hyperoxaluria Center, Mayo Clinic); PubMed 31589614 (cited by Rare Kidney Stone Consortium and the Mayo Clinic Hyperoxaluria Center, Mayo Clinic); PubMed 31345219 (cited by Rare Kidney Stone Consortium and the Mayo Clinic Hyperoxaluria Center, Mayo Clinic); PubMed 30985656 (cited by Rare Kidney Stone Consortium and the Mayo Clinic Hyperoxaluria Center, Mayo Clinic); PubMed 29800625 (cited by Rare Kidney Stone Consortium and the Mayo Clinic Hyperoxaluria Center, Mayo Clinic); PubMed 30229859 (cited by Rare Kidney Stone Consortium and the Mayo Clinic Hyperoxaluria Center, Mayo Clinic); PubMed 31903434 (cited by Rare Kidney Stone Consortium and the Mayo Clinic Hyperoxaluria Center, Mayo Clinic); PubMed 31980526 (cited by Rare Kidney Stone Consortium and the Mayo Clinic Hyperoxaluria Center, Mayo Clinic); PubMed 32646269 (cited by Rare Kidney Stone Consortium and the Mayo Clinic Hyperoxaluria Center, Mayo Clinic); PubMed 32573669 (cited by Rare Kidney Stone Consortium and the Mayo Clinic Hyperoxaluria Center, Mayo Clinic); PubMed 31646622 (cited by Rare Kidney Stone Consortium and the Mayo Clinic Hyperoxaluria Center, Mayo Clinic); PubMed 31456290 (cited by Rare Kidney Stone Consortium and the Mayo Clinic Hyperoxaluria Center, Mayo Clinic); PubMed 34205333 (cited by Rare Kidney Stone Consortium and the Mayo Clinic Hyperoxaluria Center, Mayo Clinic); PubMed 34426522 (cited by Rare Kidney Stone Consortium and the Mayo Clinic Hyperoxaluria Center, Mayo Clinic); PubMed 33879512 (cited by Rare Kidney Stone Consortium and the Mayo Clinic Hyperoxaluria Center, Mayo Clinic); PubMed 33820832 (cited by Rare Kidney Stone Consortium and the Mayo Clinic Hyperoxaluria Center, Mayo Clinic); PubMed 33726816 (cited by Rare Kidney Stone Consortium and the Mayo Clinic Hyperoxaluria Center, Mayo Clinic); PubMed 36411388 (cited by Rare Kidney Stone Consortium and the Mayo Clinic Hyperoxaluria Center, Mayo Clinic); PubMed 35525997 (cited by Rare Kidney Stone Consortium and the Mayo Clinic Hyperoxaluria Center, Mayo Clinic); PubMed 34906475 (cited by Rare Kidney Stone Consortium and the Mayo Clinic Hyperoxaluria Center, Mayo Clinic); PubMed 35261845 (cited by Rare Kidney Stone Consortium and the Mayo Clinic Hyperoxaluria Center, Mayo Clinic); PubMed 36368308 (cited by Rare Kidney Stone Consortium and the Mayo Clinic Hyperoxaluria Center, Mayo Clinic); PubMed 35456422 (cited by Rare Kidney Stone Consortium and the Mayo Clinic Hyperoxaluria Center, Mayo Clinic); PubMed 38602027 (cited by Rare Kidney Stone Consortium and the Mayo Clinic Hyperoxaluria Center, Mayo Clinic); PubMed 38433745 (cited by Rare Kidney Stone Consortium and the Mayo Clinic Hyperoxaluria Center, Mayo Clinic); PubMed 39563277 (cited by Rare Kidney Stone Consortium and the Mayo Clinic Hyperoxaluria Center, Mayo Clinic); PubMed 38219857 (cited by Rare Kidney Stone Consortium and the Mayo Clinic Hyperoxaluria Center, Mayo Clinic); PubMed 38944164 (cited by Rare Kidney Stone Consortium and the Mayo Clinic Hyperoxaluria Center, Mayo Clinic); PubMed 40008663 (cited by Rare Kidney Stone Consortium and the Mayo Clinic Hyperoxaluria Center, Mayo Clinic); PubMed 40282368 (cited by Rare Kidney Stone Consortium and the Mayo Clinic Hyperoxaluria Center, Mayo Clinic); PubMed 40794449 (cited by Rare Kidney Stone Consortium and the Mayo Clinic Hyperoxaluria Center, Mayo Clinic); PubMed 36317459 (cited by Johns Hopkins Genomics, Johns Hopkins University); PubMed 28102862 (cited by Victorian Clinical Genetics Services, Murdoch Childrens Research Institute and OMIM); PubMed 16541094 (cited by OMIM); PubMed 12384774 (cited by OMIM).